The following is an entry in ClinVar:

NM_000179.3(MSH6):c.1765T>A (p.Tyr589Asn)

Gene: MSH6 (mutS homolog 6; plus strand). Cytogenetic location: 2p16.3.
Variant type: single nucleotide variant.
Coding change: c.1765T>A on transcript NM_000179.3 (MANE Select); coding-DNA position 1765, T replaced by A.
Protein change: p.Tyr589Asn; replaces tyrosine 589 with asparagine.
Molecular consequence: missense variant.
Genome position (GRCh38, 1-based): chr2:47,799,748, T>A. VCF-style: chr2-47799748-T-A. GRCh37 (hg19) VCF-style: chr2-48026887-T-A.
Other names: c.1375T>A, p.Tyr459Asn (NM_001281492.2); c.859T>A, p.Tyr287Asn (NM_001281493.2, NM_001281494.2, NM_001406814.1 and 6 more transcripts); c.1861T>A, p.Tyr621Asn (NM_001406795.1, NM_001406802.1); c.1765T>A, p.Tyr589Asn (NM_001406796.1, NM_001406798.1, NM_001406800.1 and 3 more transcripts); c.1468T>A, p.Tyr490Asn (NM_001406797.1, NM_001406801.1, NM_001406818.1 and 10 more transcripts); c.1240T>A, p.Tyr414Asn (NM_001406799.1, NM_001406806.1, NM_001406807.1); c.1597T>A, p.Tyr533Asn (NM_001406826.1); c.1687T>A, p.Tyr563Asn (NM_001406804.1); and 1 more; short protein forms Y287N, Y414N, Y459N, Y490N, Y533N, Y563N, Y589N, Y591N.
Identifiers: ClinVar variation 1722242 (VCV001722242.7), dbSNP rs2104366234, ClinGen allele CA346749090.

ClinVar aggregate classification (germline): Uncertain significance. Review status: criteria provided, multiple submitters, no conflicts (2 of 4 stars). 2 submissions from 2 submitters: Uncertain significance (2). Last evaluated 2026-07-01.

Conditions:
Hereditary cancer-predisposing syndrome. Also called: Tumor predisposition; Hereditary neoplastic syndrome; Neoplastic Syndromes, Hereditary; Hereditary Cancer Syndrome. Identifiers: Orphanet 140162, MedGen C0027672, MeSH D009386, MONDO:0015356.
Hereditary nonpolyposis colorectal neoplasms. Identifiers: MedGen C0009405, MeSH D003123.

Submissions (2):

Ambry Genetics
Classification: Uncertain significance for Hereditary cancer-predisposing syndrome. Last evaluated: 2026-07-01. Review status: criteria provided, single submitter. Criteria: Ambry Variant Classification Scheme 2023. Collection method: clinical testing. Allele origin: germline.
Comment: The p.Y589N variant (also known as c.1765T>A), located in coding exon 4 of the MSH6 gene, results from a T to A substitution at nucleotide position 1765. The tyrosine at codon 589 is replaced by asparagine, an amino acid with dissimilar properties. This amino acid position is conserved. In addition, the in silico prediction for this alteration is inconclusive. Based on the available evidence, the clinical significance of this variant remains unclear.

Labcorp Genetics (formerly Invitae), Labcorp
Classification: Uncertain significance for Hereditary nonpolyposis colorectal neoplasms. Last evaluated: 2022-10-27. Review status: criteria provided, single submitter. Criteria: Invitae Variant Classification Sherloc (09022015). Collection method: clinical testing. Allele origin: germline.
Comment: In summary, the available evidence is currently insufficient to determine the role of this variant in disease. Therefore, it has been classified as a Variant of Uncertain Significance. Advanced modeling of protein sequence and biophysical properties (such as structural, functional, and spatial information, amino acid conservation, physicochemical variation, residue mobility, and thermodynamic stability) has been performed at Invitae for this missense variant, however the output from this modeling did not meet the statistical confidence thresholds required to predict the impact of this variant on MSH6 protein function. This variant has not been reported in the literature in individuals affected with MSH6-related conditions. This variant is not present in population databases (gnomAD no frequency). This sequence change replaces tyrosine, which is neutral and polar, with asparagine, which is neutral and polar, at codon 589 of the MSH6 protein (p.Tyr589Asn).